The following is an entry in ClinVar:

ClinVar aggregate classification (germline): Uncertain significance. Review status: criteria provided, multiple submitters, no conflicts (2 of 4 stars). 2 submissions from 2 submitters: Uncertain significance (2). Last evaluated 2025-06-14.

Conditions:
Hereditary spastic paraplegia 72 (SPG72A). Also called: Spastic paraplegia 72, autosomal recessive. Identifiers: Orphanet 401849, MedGen C5882669, MONDO:0014282, OMIM 615625.

Submissions (2):

GeneDx
Classification: Uncertain significance. Last evaluated: 2025-06-14. Review status: criteria provided, single submitter. Criteria: GeneDx Variant Classification Process June 2021. Collection method: clinical testing. Allele origin: germline. Affected: yes.
Comment: Not observed at significant frequency in large population cohorts (gnomAD); In silico analysis suggests that this missense variant does not alter protein structure/function; Has not been previously published as pathogenic or benign to our knowledge

Labcorp Genetics (formerly Invitae), Labcorp
Classification: Uncertain significance for Hereditary spastic paraplegia 72. Last evaluated: 2024-05-21. Review status: criteria provided, single submitter. Criteria: Invitae Variant Classification Sherloc (09022015). Collection method: clinical testing. Allele origin: germline.
Comment: This sequence change replaces aspartic acid, which is acidic and polar, with glutamic acid, which is acidic and polar, at codon 171 of the REEP2 protein (p.Asp171Glu). This variant is not present in population databases (gnomAD no frequency). This variant has not been reported in the literature in individuals affected with REEP2-related conditions. Algorithms developed to predict the effect of missense changes on protein structure and function output the following: SIFT: "Not Available"; PolyPhen-2: "Benign"; Align-GVGD: "Not Available". The glutamic acid amino acid residue is found in multiple mammalian species, which suggests that this missense change does not adversely affect protein function. In summary, the available evidence is currently insufficient to determine the role of this variant in disease. Therefore, it has been classified as a Variant of Uncertain Significance.

NM_001271803.2(REEP2):c.513C>A (p.Asp171Glu)

Gene: REEP2 (receptor accessory protein 2; plus strand). Cytogenetic location: 5q31.2.
Variant type: single nucleotide variant.
Coding change: c.513C>A on transcript NM_001271803.2 (MANE Select); coding-DNA position 513, C replaced by A.
Protein change: p.Asp171Glu; replaces aspartic acid 171 with glutamic acid.
Molecular consequence: missense variant. On other transcripts: non-coding transcript variant (2).
Genome position (GRCh38, 1-based): chr5:138,445,323, C>A. VCF-style: chr5-138445323-C-A. GRCh37 (hg19) VCF-style: chr5-137781012-C-A.
Other names: c.507C>A, p.Asp169Glu (NM_016606.4); c.513C>A (NM_001271803.1); short protein forms D171E, D169E.
Identifiers: ClinVar variation 3674262 (VCV003674262.3).
Genomic context (GRCh38, chr5:138,445,323, plus strand): 5'-CAGCATGCAGGACCTGACCCTGATCCGGGACGAGGACGCACTGCCCCTGCAGAGGCCTGA[C>A]GGCCGCCTCCGACCCAGCCCTGGCAGCCTCCTGGACACCATCGAGGACTTAGGTACAGGC-3'
Protein context (NP_001258732.1, residues 161-181): DEDALPLQRP[Asp171Glu]GRLRPSPGSL